The following is an entry in ClinVar:

ClinVar aggregate classification (germline): Uncertain significance (1 of 4 stars; one submission).

Conditions:
Autosomal recessive limb-girdle muscular dystrophy type 2C (LGMDR5). Also called: MUSCULAR DYSTROPHY, DUCHENNE-LIKE; MUSCULAR DYSTROPHY, LIMB-GIRDLE, AUTOSOMAL RECESSIVE 5. Identifiers: Orphanet 353, MedGen C0410173, MONDO:0009677, OMIM 253700. Disease mechanism: Affects gamma-sarcoglycan and also disrupts the integrity of the entire sarcoglycan complex..

Submission:

Labcorp Genetics (formerly Invitae), Labcorp
Classification: Uncertain significance for Severe autosomal recessive muscular dystrophy of childhood - North African type. Last evaluated: 2019-11-11. Review status: criteria provided, single submitter. Criteria: Invitae Variant Classification Sherloc (09022015). Collection method: clinical testing. Allele origin: germline.
Comment: This variant results in a copy number gain of the genomic region encompassing the full coding sequence of the SGCG gene. The boundaries of this event are unknown as they extend beyond the assayed region for this gene and therefore may encompass additional genes. As the precise location of this event is unknown, it may be in tandem or it may be located elsewhere in the genome. This variant has not been reported in the literature in individuals with SGCG-related conditions. In summary, the available evidence is currently insufficient to determine the role of this variant in disease. Therefore, it has been classified as a Variant of Uncertain Significance.

NC_000013.10:g.(?_23667335)_(23985388_?)dup

Genes: SACS (sacsin molecular chaperone; minus strand), SGCG (sarcoglycan gamma; plus strand), LINC00362 (long intergenic non-protein coding RNA 362; minus strand), LOC130009367 (ATAC-STARR-seq lymphoblastoid active region 7452; plus strand), LOC130009365 (ATAC-STARR-seq lymphoblastoid silent region 5171; plus strand) and 7 more. Cytogenetic location: 13q12.12.
Variant type: Duplication.
Identifiers: ClinVar variation 658447 (VCV000658447.2).